The following is an entry in ClinVar:

ClinVar aggregate classification (germline): Uncertain significance (1 of 4 stars; one submission).

Conditions:
Familial cold autoinflammatory syndrome 2 (FCAS2). Identifiers: Orphanet 247868, MedGen C2673198, MONDO:0012724, OMIM 611762.

Submission:

Labcorp Genetics (formerly Invitae), Labcorp
Classification: Uncertain significance for Familial cold autoinflammatory syndrome 2. Last evaluated: 2024-04-14. Review status: criteria provided, single submitter. Criteria: Invitae Variant Classification Sherloc (09022015). Collection method: clinical testing. Allele origin: germline.
Comment: This sequence change replaces leucine, which is neutral and non-polar, with glutamine, which is neutral and polar, at codon 147 of the NLRP12 protein (p.Leu147Gln). This variant is not present in population databases (gnomAD no frequency). This variant has not been reported in the literature in individuals affected with NLRP12-related conditions. Advanced modeling of protein sequence and biophysical properties (such as structural, functional, and spatial information, amino acid conservation, physicochemical variation, residue mobility, and thermodynamic stability) performed at Invitae indicates that this missense variant is not expected to disrupt NLRP12 protein function with a negative predictive value of 80%. In summary, the available evidence is currently insufficient to determine the role of this variant in disease. Therefore, it has been classified as a Variant of Uncertain Significance.

NM_144687.4(NLRP12):c.440T>A (p.Leu147Gln)

Gene: NLRP12 (NLR family pyrin domain containing 12; minus strand). Cytogenetic location: 19q13.42.
Variant type: single nucleotide variant.
Coding change: c.440T>A on transcript NM_144687.4 (MANE Select); coding-DNA position 440, T replaced by A.
Protein change: p.Leu147Gln; replaces leucine 147 with glutamine.
Molecular consequence: missense variant.
Genome position (GRCh38, 1-based): chr19:53,811,219, A>T on the plus strand (T>A on the coding strand, the complement: NLRP12 is on the minus strand). VCF-style: chr19-53811219-A-T. GRCh37 (hg19) VCF-style: chr19-54314473-A-T.
Other names: c.440T>A, p.Leu147Gln (NM_001277126.2, NM_001277129.1); short protein forms L147Q.
Identifiers: ClinVar variation 3649832 (VCV003649832.2).